The following is an entry in ClinVar:

NM_006516.4(SLC2A1):c.1210A>T (p.Ile404Phe)

Gene: SLC2A1 (solute carrier family 2 member 1; minus strand). Cytogenetic location: 1p34.2.
Variant type: single nucleotide variant.
Coding change: c.1210A>T on transcript NM_006516.4 (MANE Select); coding-DNA position 1210, A replaced by T.
Protein change: p.Ile404Phe; replaces isoleucine 404 with phenylalanine.
Molecular consequence: missense variant.
Genome position (GRCh38, 1-based): chr1:42,927,673, T>A on the plus strand (A>T on the coding strand, the complement: SLC2A1 is on the minus strand). VCF-style: chr1-42927673-T-A. GRCh37 (hg19) VCF-style: chr1-43393344-T-A.
Other names: short protein forms I404F.
Identifiers: ClinVar variation 3013950 (VCV003013950.3), dbSNP rs374789687, ClinGen allele CA339953796.

ClinVar aggregate classification (germline): Uncertain significance (1 of 4 stars; one submission).

Conditions:
GLUT1 deficiency syndrome 1, autosomal recessive. Identifiers: MedGen C3149117.

Submission:

Labcorp Genetics (formerly Invitae), Labcorp
Classification: Uncertain significance for GLUT1 deficiency syndrome 1, autosomal recessive. Last evaluated: 2023-08-20. Review status: criteria provided, single submitter. Criteria: Invitae Variant Classification Sherloc (09022015). Collection method: clinical testing. Allele origin: germline.
Comment: In summary, the available evidence is currently insufficient to determine the role of this variant in disease. Therefore, it has been classified as a Variant of Uncertain Significance. Advanced modeling of protein sequence and biophysical properties (such as structural, functional, and spatial information, amino acid conservation, physicochemical variation, residue mobility, and thermodynamic stability) performed at Invitae indicates that this missense variant is not expected to disrupt SLC2A1 protein function. This variant has not been reported in the literature in individuals affected with SLC2A1-related conditions. This variant is not present in population databases (gnomAD no frequency). This sequence change replaces isoleucine, which is neutral and non-polar, with phenylalanine, which is neutral and non-polar, at codon 404 of the SLC2A1 protein (p.Ile404Phe).